The following is an entry in ClinVar:

NM_004006.3(DMD):c.-29T>A

Gene: DMD (dystrophin; minus strand). Cytogenetic location: Xp21.1.
Variant type: single nucleotide variant.
Coding change: c.-29T>A on transcript NM_004006.3 (MANE Select); 29 bases upstream of the start codon, T replaced by A.
Molecular consequence: 5 prime UTR variant. On other transcripts: intron variant (1).
Genome position (GRCh38, 1-based): chrX:33,211,341, A>T on the plus strand (T>A on the coding strand, the complement: DMD is on the minus strand). VCF-style: chrX-33211341-A-T. GRCh37 (hg19) VCF-style: chrX-33229458-A-T.
Other names: c.7+127918T>A (NM_000109.4).
Identifiers: ClinVar variation 392839 (VCV000392839.1), dbSNP rs1057524656, ClinGen allele CA16608909.

ClinVar aggregate classification (germline): Likely benign (1 of 4 stars; one submission).

Submission:

GeneDx
Classification: Likely benign. Last evaluated: 2017-01-17. Review status: criteria provided, single submitter. Criteria: GeneDx Variant Classification (06012015). Collection method: clinical testing. Allele origin: germline. Affected: yes.
Comment: This variant is considered likely benign or benign based on one or more of the following criteria: it is a conservative change, it occurs at a poorly conserved position in the protein, it is predicted to be benign by multiple in silico algorithms, and/or has population frequency not consistent with disease.